The following is an entry in ClinVar:

ClinVar aggregate classification (germline): Conflicting classifications of pathogenicity. Review status: criteria provided, conflicting classifications (1 of 4 stars). 9 submissions from 9 submitters: Uncertain significance (3); Likely benign (2). 4 of the submissions do not count toward it. Last evaluated 2026-01-28.

Conditions:
Hereditary cancer-predisposing syndrome. Also called: Tumor predisposition; Neoplastic Syndromes, Hereditary; Hereditary neoplastic syndrome; Hereditary Cancer Syndrome. Identifiers: Orphanet 140162, MedGen C0027672, MeSH D009386, MONDO:0015356.
Hereditary breast ovarian cancer syndrome. Also called: Hereditary breast and ovarian cancer; Hereditary breast and ovarian cancer syndrome (HBOC); Hereditary breast and/or ovarian cancer syndrome; Breast and ovarian cancer; Hereditary breast and ovarian cancer syndrome; BRCA1- and BRCA2-Associated Hereditary Breast and Ovarian Cancer. Identifiers: Orphanet 145, MedGen C0677776, MeSH D061325, MONDO:0003582. Disease mechanism: loss of function.
Breast-ovarian cancer, familial, susceptibility to, 2 (BROVCA2). Also called: BRCA2 Hereditary Breast and Ovarian Cancer. Identifiers: Orphanet 145, MedGen C2675520, MONDO:0012933, OMIM 612555. Disease mechanism: loss of function.

Allele frequency attached by ClinVar (database versions not stated): gnomAD 0.00001.
gnomAD v4.1: 7 of 1,608,254 alleles (0.00044%); highest among the groups gnomAD compares: Non-Finnish European, 0.00051%; no homozygotes.

Submissions (9):

Labcorp Genetics (formerly Invitae), Labcorp
Classification: Uncertain significance for Hereditary breast ovarian cancer syndrome. Last evaluated: 2026-01-28. Review status: criteria provided, single submitter. Criteria: Invitae Variant Classification Sherloc (09022015). Collection method: clinical testing. Allele origin: germline.
Comment: This sequence change replaces threonine, which is neutral and polar, with isoleucine, which is neutral and non-polar, at codon 525 of the BRCA2 protein (p.Thr525Ile). This variant is not present in population databases (gnomAD no frequency). This missense change has been observed in individual(s) with clinical features of BRCA2-related conditions (PMID: 21520333, 34326862). ClinVar contains an entry for this variant (Variation ID: 37747). Invitae Evidence Modeling of protein sequence and biophysical properties (such as structural, functional, and spatial information, amino acid conservation, physicochemical variation, residue mobility, and thermodynamic stability) indicates that this missense variant is not expected to disrupt BRCA2 protein function with a negative predictive value of 95%. In summary, the available evidence is currently insufficient to determine the role of this variant in disease. Therefore, it has been classified as a Variant of Uncertain Significance.

Ambry Genetics
Classification: Likely benign for Hereditary cancer-predisposing syndrome. Last evaluated: 2024-02-22. Review status: criteria provided, single submitter. Criteria: Ambry Variant Classification Scheme 2023. Collection method: clinical testing. Allele origin: germline.

All of Us Research Program, National Institutes of Health
Classification: Uncertain significance for Breast-ovarian cancer, familial, susceptibility to, 2. Last evaluated: 2023-07-09. Review status: criteria provided, single submitter. Criteria: ACMG Guidelines, 2015. Collection method: clinical testing. Allele origin: germline. Inheritance: Autosomal dominant inheritance. Observed: 2 variant alleles, 2 heterozygotes.
Comment: This study involves interpretation of variants in research participants for the purpose of population health screening. Participant phenotype was not available at the time of variant classification. Additional details can be found in publication PMID: 35346344, PMCID: PMC8962531

University of Washington Department of Laboratory Medicine, University of Washington
Classification: Likely benign for Hereditary cancer-predisposing syndrome. Last evaluated: 2023-03-23. Review status: criteria provided, single submitter. Criteria: Dines et al. (Genet Med. 2020). Collection method: curation. Allele origin: germline.
Comment: Missense variant in a coldspot region where missense variants are very unlikely to be pathogenic (PMID:31911673).

BRCA2 exon 10 coldspot. Reclassification based on statistical prior probability.

Color Diagnostics, LLC DBA Color Health
Classification: Uncertain significance for Hereditary cancer-predisposing syndrome. Last evaluated: 2019-05-08. Review status: criteria provided, single submitter. Criteria: ACMG Guidelines, 2015. Collection method: clinical testing. Allele origin: germline.

Counsyl
Classification: Uncertain significance for Breast-ovarian cancer, familial, susceptibility to, 2. Last evaluated: 2016-01-27. Review status: no assertion criteria provided. Collection method: clinical testing. Allele origin: unknown. Not counted in ClinVar's aggregate classification.

Sharing Clinical Reports Project (SCRP)
Classification: Uncertain significance for Breast-ovarian cancer, familial 2. Last evaluated: 2012-05-01. Review status: no assertion criteria provided. Collection method: clinical testing. Allele origin: germline. Not counted in ClinVar's aggregate classification.

Clinical Genetics DNA and cytogenetics Diagnostics Lab, Erasmus MC, Erasmus Medical Center
Classification: Likely benign. Review status: no assertion criteria provided. Collection method: clinical testing. Allele origin: germline. Affected: yes. Study: VKGL Data-share Consensus. Not counted in ClinVar's aggregate classification.

Joint Genome Diagnostic Labs from Nijmegen and Maastricht, Radboudumc and MUMC+
Classification: Likely benign. Review status: no assertion criteria provided. Collection method: clinical testing. Allele origin: germline. Affected: yes. Study: VKGL Data-share Consensus. Not counted in ClinVar's aggregate classification.

Literature cited by the submitters: PubMed 21520333 (cited by Labcorp Genetics (formerly Invitae), Labcorp); PubMed 34326862 (cited by Labcorp Genetics (formerly Invitae), Labcorp); PubMed 25348012 (cited by Counsyl).

NM_000059.4(BRCA2):c.1574C>T (p.Thr525Ile)

Gene: BRCA2 (BRCA2 DNA repair associated; plus strand). Cytogenetic location: 13q13.1.
Variant type: single nucleotide variant.
Coding change: c.1574C>T on transcript NM_000059.4 (MANE Select); coding-DNA position 1574, C replaced by T.
Protein change: p.Thr525Ile; replaces threonine 525 with isoleucine.
Molecular consequence: missense variant.
Genome position (GRCh38, 1-based): chr13:32,333,052, C>T. VCF-style: chr13-32333052-C-T. GRCh37 (hg19) VCF-style: chr13-32907189-C-T.
Other names: 1802C>T; short protein forms T525I.
Identifiers: ClinVar variation 37747 (VCV000037747.25), dbSNP rs397507271, ClinGen allele CA012488.